The following is an entry in ClinVar:

NM_000501.4(ELN):c.1819G>C (p.Gly607Arg)

Gene: ELN (elastin; plus strand). Cytogenetic location: 7q11.23.
Variant type: single nucleotide variant.
Coding change: c.1819G>C on transcript NM_000501.4 (MANE Select); coding-DNA position 1819, G replaced by C.
Protein change: p.Gly607Arg; replaces glycine 607 with arginine.
Molecular consequence: missense variant.
Genome position (GRCh38, 1-based): chr7:74,063,185, G>C. VCF-style: chr7-74063185-G-C. GRCh37 (hg19) VCF-style: chr7-73477515-G-C.
Other names: c.1732G>C, p.Gly578Arg (NM_001081752.3); c.1777G>C, p.Gly593Arg (NM_001081753.3); c.1834G>C, p.Gly612Arg (NM_001081754.3); c.1762G>C, p.Gly588Arg (NM_001081755.3); c.1819G>C, p.Gly607Arg (NM_001278912.2); c.1576G>C, p.Gly526Arg (NM_001278913.2); c.1747G>C, p.Gly583Arg (NM_001278914.2); c.1837G>C, p.Gly613Arg (NM_001278915.2); and 4 more; short protein forms G578R, G588R, G607R, G612R, G518R, G559R, G583R, G526R.
Identifiers: ClinVar variation 911325 (VCV000911325.8), dbSNP rs781963804, ClinGen allele CA4293242.

ClinVar aggregate classification (germline): Conflicting classifications of pathogenicity. Review status: criteria provided, conflicting classifications (1 of 4 stars). 3 submissions from 2 submitters: Uncertain significance (1); Benign (1); Likely benign (1). Last evaluated 2024-08-12.

Conditions:
Cutis laxa, autosomal dominant 1 (ADCL1). Also called: ELN-Related Cutis Laxa. Identifiers: Orphanet 90348, MedGen C3276539, MONDO:0007411, OMIM 123700. Disease mechanism: Dominant Negative.
Supravalvar aortic stenosis (SVAS). Also called: Supravalvar aortic stenosis, Eisenberg type. Identifiers: Orphanet 3193, MedGen C0003499, MONDO:0008504, OMIM 185500, HP:0004381.

Allele frequency attached by ClinVar (database versions not stated): TOPMed 0.00004.
gnomAD v4.1: 20 of 1,609,492 alleles (0.0012%); highest among the groups gnomAD compares: East Asian, 0.042%; no homozygotes.

Submissions (3):

Labcorp Genetics (formerly Invitae), Labcorp
Classification: Uncertain significance for Supravalvar aortic stenosis. Last evaluated: 2024-08-12. Review status: criteria provided, single submitter. Criteria: Invitae Variant Classification Sherloc (09022015). Collection method: clinical testing. Allele origin: germline.
Comment: This sequence change replaces glycine, which is neutral and non-polar, with arginine, which is basic and polar, at codon 669 of the ELN protein (p.Gly669Arg). This variant is present in population databases (rs781963804, gnomAD 0.04%). This variant has not been reported in the literature in individuals affected with ELN-related conditions. ClinVar contains an entry for this variant (Variation ID: 911325). Advanced modeling of protein sequence and biophysical properties (such as structural, functional, and spatial information, amino acid conservation, physicochemical variation, residue mobility, and thermodynamic stability) performed at Invitae indicates that this missense variant is not expected to disrupt ELN protein function with a negative predictive value of 80%. In summary, the available evidence is currently insufficient to determine the role of this variant in disease. Therefore, it has been classified as a Variant of Uncertain Significance.

Illumina Laboratory Services, Illumina
Classification: Benign for Cutis laxa, autosomal dominant 1. Last evaluated: 2018-01-13. Review status: criteria provided, single submitter. Criteria: ICSL Variant Classification Criteria 13 December 2019. Collection method: clinical testing. Allele origin: germline.
Comment: This variant was observed in the ICSL laboratory as part of a predisposition screen in an ostensibly healthy population. It had not been previously curated by ICSL or reported in the Human Gene Mutation Database (HGMD: prior to June 1st, 2018), and was therefore a candidate for classification through an automated scoring system. Utilizing variant allele frequency, disease prevalence and penetrance estimates, and inheritance mode, an automated score was calculated to assess if this variant is too frequent to cause the disease. Based on the score and internal cut-off values, a variant classified as benign is not then subjected to further curation. The score for this variant resulted in a classification of benign for this disease.

Illumina Laboratory Services, Illumina
Classification: Likely benign for Supravalvar aortic stenosis. Last evaluated: 2018-01-13. Review status: criteria provided, single submitter. Criteria: ICSL Variant Classification Criteria 13 December 2019. Collection method: clinical testing. Allele origin: germline.
Comment: This variant was observed in the ICSL laboratory as part of a predisposition screen in an ostensibly healthy population. It had not been previously curated by ICSL or reported in the Human Gene Mutation Database (HGMD: prior to June 1st, 2018), and was therefore a candidate for classification through an automated scoring system. Utilizing variant allele frequency, disease prevalence and penetrance estimates, and inheritance mode, an automated score was calculated to assess if this variant is too frequent to cause the disease. Based on the score and internal cut-off values, a variant classified as likely benign is not then subjected to further curation. The score for this variant resulted in a classification of likely benign for this disease.